The following is an entry in ClinVar:

NM_004655.4(AXIN2):c.905T>C (p.Ile302Thr)

Gene: AXIN2 (axin 2; minus strand). Cytogenetic location: 17q24.1.
Variant type: single nucleotide variant.
Coding change: c.905T>C on transcript NM_004655.4 (MANE Select); coding-DNA position 905, T replaced by C.
Protein change: p.Ile302Thr; replaces isoleucine 302 with threonine.
Molecular consequence: missense variant.
Genome position (GRCh38, 1-based): chr17:65,549,571, A>G on the plus strand (T>C on the coding strand, the complement: AXIN2 is on the minus strand). VCF-style: chr17-65549571-A-G. GRCh37 (hg19) VCF-style: chr17-63545689-A-G.
Other names: c.905T>C, p.Ile302Thr (NM_001363813.1); short protein forms I302T.
Identifiers: ClinVar variation 4619810 (VCV004619810.1).
Genomic context (GRCh38, chr17:65,549,571, plus strand): 5'-GATACTCACACACTGCTGTCCGTCATGGACATGGAATCATCCGTCAGCGCATCACTGGAT[A>G]TCTCACTGTCGTTGGCGCTGGTGGCTGGTGCAAAGACATAGCCAGAACCTATGTGATAAG-3'
Protein context (NP_004646.3, residues 292-312): APATSANDSE[Ile302Thr]SSDALTDDSM

ClinVar aggregate classification (germline): Uncertain significance (1 of 4 stars; one submission).

Conditions:
Hereditary cancer-predisposing syndrome. Also called: Neoplastic Syndromes, Hereditary; Tumor predisposition; Hereditary Cancer Syndrome; Hereditary neoplastic syndrome. Identifiers: Orphanet 140162, MedGen C0027672, MeSH D009386, MONDO:0015356.

Submission:

Ambry Genetics
Classification: Uncertain significance for Hereditary cancer-predisposing syndrome. Last evaluated: 2025-11-22. Review status: criteria provided, single submitter. Criteria: Ambry Variant Classification Scheme 2023. Collection method: clinical testing. Allele origin: germline.
Comment: The p.I302T variant (also known as c.905T>C), located in coding exon 2 of the AXIN2 gene, results from a T to C substitution at nucleotide position 905. The isoleucine at codon 302 is replaced by threonine, an amino acid with similar properties. This amino acid position is conserved. In addition, the in silico prediction for this alteration is inconclusive. Based on the available evidence, the clinical significance of this variant remains unclear.